The following is an entry in ClinVar:

NM_206933.4(USH2A):c.6904_6920dup (p.Gln2307fs)

Gene: USH2A (usherin; minus strand). Cytogenetic location: 1q41.
Variant type: Duplication.
Coding change: c.6904_6920dup on transcript NM_206933.4 (MANE Select); coding-DNA positions 6904 to 6920, 17 bases duplicated (CATTCCTTCAGAGTCCA).
Protein change: p.Gln2307fs; shifts the reading frame from glutamine 2307.
Molecular consequence: frameshift variant.
Genome position (GRCh38, 1-based): chr1:215,970,662-215,970,678, TGGACTCTGAAGGAATG duplicated on the plus strand (CATTCCTTCAGAGTCCA on the coding strand, the reverse complement: USH2A is on the minus strand); duplicating any 17 consecutive bases within chr1:215,970,662-215,970,679 gives the same sequence; the c. name uses the placement nearest the transcript's 3' end. VCF-style (leftmost placement, unchanged base first): chr1-215970661-T-TTGGACTCTGAAGGAATG. GRCh37 (hg19) VCF-style: chr1-216144003-T-TTGGACTCTGAAGGAATG.
Other names: short protein forms Q2307fs.
Identifiers: ClinVar variation 956100 (VCV000956100.37), dbSNP rs1667472317, ClinGen allele CA1139656561.
Genomic context (GRCh38, chr1:215,970,661, plus strand): 5'-TAGAATGTAAATTTAGATACTCACCAGTGGGCCCAGAGCACAACCTTTGGCCGTGCATGC[T>TTGGACTCTGAAGGAATG]TGGACTCTGAAGGAATGTAAACTCCAAGGAGCAAATCCGTAAGCACGATAGCTGAGTTCT-3'

ClinVar aggregate classification (germline): Pathogenic/Likely pathogenic. Review status: criteria provided, multiple submitters, no conflicts (2 of 4 stars). 7 submissions from 7 submitters: Pathogenic (5); Likely pathogenic (2). Last evaluated 2025-11-25.

Conditions:
Retinitis pigmentosa 39 (RP39). Identifiers: Orphanet 791, MedGen C3151138, MONDO:0013436, OMIM 613809.
Usher syndrome type 2A. Also called: RETINAL DISEASE IN USHER SYNDROME TYPE IIA, MODIFIER OF; USHER SYNDROME, TYPE IIA. Identifiers: Orphanet 231178, Orphanet 886, MedGen C1848634, MONDO:0010169, OMIM 276901.
USH2A-related disorder. Also called: USH2A-related disorders; USH2A-related condition. Identifiers: MedGen CN239332.
Usher syndrome. Also called: Usher Syndromes; Usher's syndrome. Identifiers: Orphanet 886, MedGen CN469326, MeSH D052245, MONDO:0019501. Disease mechanism: loss of function.

Submissions (7):

Labcorp Genetics (formerly Invitae), Labcorp
Classification: Pathogenic. Last evaluated: 2025-11-25. Review status: criteria provided, single submitter. Criteria: Invitae Variant Classification Sherloc (09022015). Collection method: clinical testing. Allele origin: germline.
Comment: This sequence change creates a premature translational stop signal (p.Gln2307Hisfs*25) in the USH2A gene. It is expected to result in an absent or disrupted protein product. Loss-of-function variants in USH2A are known to be pathogenic (PMID: 10729113, 10909849, 20507924, 25649381). This variant is not present in population databases (gnomAD no frequency). This premature translational stop signal has been observed in individual(s) with retinitis pigmentosa (PMID: 25649381). ClinVar contains an entry for this variant (Variation ID: 956100). For these reasons, this variant has been classified as Pathogenic.

Natera, Inc.
Classification: Pathogenic for Usher syndrome type 2A. Last evaluated: 2025-01-07. Review status: criteria provided, single submitter. Criteria: Natera Variant Classification Schema (03/2026). Collection method: clinical testing. Allele origin: germline.
Comment: The c.6904_6920dup variant in USH2A is a frameshift variant predicted to shift the reading frame beginning at codon 2307 and leads to a stop codon 25 codons downstream. This variant is expected to result in nonsense mediated decay, truncation, or a dysfunctional protein product. This variant is rare in the general population with a frequency below the threshold expected for the associated phenotype(s). This variant has been observed in one or more individuals affected with the associated recessive disease, as either homozygous or compound heterozygous with a second variant (PMID: 37322672). Given the available evidence, this variant is classified as Pathogenic.

Fulgent Genetics
Classification: Likely pathogenic for Usher syndrome type 2A; Retinitis pigmentosa 39. Last evaluated: 2024-03-12. Review status: criteria provided, single submitter. Criteria: ACMG Guidelines, 2015. Collection method: clinical testing. Allele origin: germline.

Baylor Genetics
Classification: Pathogenic for Retinitis pigmentosa 39. Last evaluated: 2024-01-02. Review status: criteria provided, single submitter. Criteria: ACMG Guidelines, 2015. Collection method: clinical testing. Allele origin: unknown.

Genome-Nilou Lab
Classification: Pathogenic for Usher syndrome type 2A. Last evaluated: 2023-11-04. Review status: criteria provided, single submitter. Criteria: ACMG Guidelines, 2015. Collection method: clinical testing. Allele origin: germline. Affected: no.

SN ONGC Dept of Genetics and Molecular biology Vision Research Foundation
Classification: Pathogenic for Usher syndrome. Last evaluated: 2022-12-31. Review status: criteria provided, single submitter. Criteria: ACMG Guidelines, 2015. Collection method: research. Allele origin: unknown. Affected: yes. Observed: 1 variant allele, 1 compound heterozygote.

Blueprint Genetics
Classification: Likely pathogenic for USH2A-related disorders. Last evaluated: 2022-11-04. Review status: criteria provided, single submitter. Criteria: ACMG Guidelines, 2015. Collection method: clinical testing. Allele origin: germline. Affected: yes. Observed: 3 variant alleles.

Literature cited by the submitters: PubMed 10729113 (cited by Labcorp Genetics (formerly Invitae), Labcorp); PubMed 10909849 (cited by Labcorp Genetics (formerly Invitae), Labcorp); PubMed 20507924 (cited by Labcorp Genetics (formerly Invitae), Labcorp); PubMed 25649381 (cited by Labcorp Genetics (formerly Invitae), Labcorp); PubMed 37322672 (cited by Natera, Inc.).